The following is an entry in ClinVar:

NM_000104.4(CYP1B1):c.1102C>T (p.Arg368Cys)

Gene: CYP1B1 (cytochrome P450 family 1 subfamily B member 1; minus strand). Cytogenetic location: 2p22.2.
Variant type: single nucleotide variant.
Coding change: c.1102C>T on transcript NM_000104.4 (MANE Select); coding-DNA position 1102, C replaced by T.
Protein change: p.Arg368Cys; replaces arginine 368 with cysteine.
Molecular consequence: missense variant.
Genome position (GRCh38, 1-based): chr2:38,071,252, G>A on the plus strand (C>T on the coding strand, the complement: CYP1B1 is on the minus strand). VCF-style: chr2-38071252-G-A. GRCh37 (hg19) VCF-style: chr2-38298395-G-A.
Other names: NM_000104.4(CYP1B1):c.1102C>T; p.Arg368Cys; short protein forms R368C.
Identifiers: ClinVar variation 1489392 (VCV001489392.16), dbSNP rs72480442, ClinGen allele CA1619862.

ClinVar aggregate classification (germline): Likely pathogenic. Review status: reviewed by expert panel (3 of 4 stars). 8 submissions from 8 submitters: Likely pathogenic (1). 7 of the submissions do not count toward it. Last evaluated 2025-11-19.

Conditions:
CYP1B1-related glaucoma with or without anterior segment dysgenesis. Identifiers: MedGen CN375931, MONDO:0800472.
Congenital glaucoma. Identifiers: MedGen C0020302, MONDO:0020366.
Anterior segment dysgenesis 6 (ASGD6). Also called: Anterior segment dysgenesis 6, multiple subtypes. Identifiers: MedGen C4310623, MONDO:0015016, OMIM 617315.
Glaucoma 3A. Also called: Glaucoma 3, primary congenital, A. Identifiers: Orphanet 98976, Orphanet 98977, MedGen C1856439, MONDO:0009277, OMIM 231300.
CYP1B1-related disorder. Also called: CYP1B1-Related Disorders. Identifiers: MedGen CN239260.
Primary congenital glaucoma. Also called: Primary congenital glaucoma (disease). Identifiers: MedGen C1533041, MONDO:0000365, HP:0008007.

Allele frequency attached by ClinVar (database versions not stated): ExAC 0.00001; 1000 Genomes Project 30x 0.00016; 1000 Genomes Project 0.00020; gnomAD 0.00021; TOPMed 0.00066.

Submissions (8):

ClinGen Glaucoma Variant Curation Expert Panel
Classification: Likely pathogenic for CYP1B1-related glaucoma with or without anterior segment dysgenesis. Last evaluated: 2025-11-19. Review status: reviewed by expert panel. Criteria: ClinGen CYP1B1 ACMG Specifications V1 Approved. Collection method: curation. Allele origin: germline. Inheritance: Autosomal recessive inheritance.
Comment: The c.1102C>T variant in CYP1B1 is a missense variant predicted to cause substitution of Arginine by Cysteine at amino acid 368 (p.Arg368Cys). The highest minor allele frequency of this variant was in the Admixed American genetic ancestry group of gnomAD (v4.1.0) = 0.0007331 (44 alleles out of 60,018), which did not meet the PM2_Supporting allele frequency threshold (≤ 0.0005) or the BS1 allele frequency threshold (≥ 0.01). The REVEL score = 0.833, which was within the 0.773-0.931 range for PP3_Moderate, predicting a damaging effect on CYP1B1 function. There was no functional evidence predicting a damaging or benign impact of this variant on CYP1B1 function. This variant has been identified in five individuals with a CYP1B1-related phenotype. Three of these individuals are compound heterozygous for the variant and a pathogenic or likely pathogenic variant (1 phase unknown, 2 confirmed in trans) (PMID: 36343799, ClinVar) and two individuals are homozygous (1 assumed non-consanguineous) for the variant (PMID: 36343799, ClinVar). Total proband points = 3.5, meeting PM3_Strong. In summary, this variant met the criteria to receive a score of 6 and to be classified as a Likely pathogenic variant (likely pathogenic classification range 6 to 9-7, adapted from PMID: 32720330) for CYP1B1-related glaucoma with or without anterior segment dysgenesis (ASD) based on the ACMG/AMP criteria met, as specified by the ClinGen Glaucoma VCEP (v1.0, 06.11.2025): PM3_Strong, PP3_Moderate.

PreventionGenetics, part of Exact Sciences
Classification: Likely pathogenic for CYP1B1-related condition. Last evaluated: 2026-09-25. Review status: criteria provided, single submitter. Criteria: ACMG Guidelines, 2015. Collection method: clinical testing. Allele origin: germline. Not counted in ClinVar's aggregate classification.
Comment: The CYP1B1 c.1102C>T variant is predicted to result in the amino acid substitution p.Arg368Cys. This variant has been reported in the homozygous and compound heterozygous states in individual with congenital glaucoma (Chitsazian et al. 2007. PubMed ID: 17591938). An alternate substitution of this amino acid (p.Arg368His) has been reported many times in individuals with congenital glaucoma (see for examples: Bejjani et al. 2000. PubMed ID: 10655546; Patel et al. 2019. PubMed ID: 30653986). This variant is present in 0.014% of alleles in individuals of Latino descent in gnomAD. This variant is interpreted as likely pathogenic.

Labcorp Genetics (formerly Invitae), Labcorp
Classification: Likely pathogenic for Congenital glaucoma. Last evaluated: 2025-12-19. Review status: criteria provided, single submitter. Criteria: Invitae Variant Classification Sherloc (09022015). Collection method: clinical testing. Allele origin: germline. Not counted in ClinVar's aggregate classification.
Comment: This sequence change replaces arginine, which is basic and polar, with cysteine, which is neutral and slightly polar, at codon 368 of the CYP1B1 protein (p.Arg368Cys). This variant is present in population databases (rs72480442, gnomAD 0.01%). This missense change has been observed in individual(s) with clinical features of congenital glaucoma (PMID: 17591938; internal data). In at least one individual the data is consistent with being in trans (on the opposite chromosome) from a pathogenic variant. ClinVar contains an entry for this variant (Variation ID: 1489392). Invitae Evidence Modeling of protein sequence and biophysical properties (such as structural, functional, and spatial information, amino acid conservation, physicochemical variation, residue mobility, and thermodynamic stability) has been performed for this missense variant. However, the output from this modeling did not meet the statistical confidence thresholds required to predict the impact of this variant on CYP1B1 protein function. This variant disrupts the p.Arg368 amino acid residue in CYP1B1. Other variant(s) that disrupt this residue have been determined to be pathogenic (PMID: 10655546, 11980847, 15037581, 19744731, 30108387). This suggests that this residue is clinically significant, and that variants that disrupt this residue are likely to be disease-causing. In summary, the currently available evidence indicates that the variant is pathogenic, but additional data are needed to prove that conclusively. Therefore, this variant has been classified as Likely Pathogenic.

Women's Health and Genetics/Laboratory Corporation of America, LabCorp
Classification: Likely pathogenic for Primary congenital glaucoma. Last evaluated: 2025-06-06. Review status: criteria provided, single submitter. Criteria: LabCorp Variant Classification Summary - May 2015. Collection method: clinical testing. Allele origin: germline. Not counted in ClinVar's aggregate classification.
Comment: Variant summary: CYP1B1 c.1102C>T (p.Arg368Cys) results in a non-conservative amino acid change in the encoded protein sequence. Algorithms developed to predict the effect of missense changes on protein structure and function all suggest that this variant is likely to be disruptive. The variant allele was found at a frequency of 2.4e-05 in 247030 control chromosomes. c.1102C>T has been observed in the homozygous state in at least two individual(s) affected with Primary Congenital Glaucoma (Chitsazian_2007, Yazandi_2016, Internal Data). These data indicate that the variant is likely to be associated with disease. A different variant affecting the same codon has been classified as likely pathogenic/pathogenic by our lab (c.1103G>A, p.Arg368His), supporting the critical relevance of codon 368 to CYP1B1 protein function. To our knowledge, no experimental evidence demonstrating an impact on protein function has been reported. The following publications have been ascertained in the context of this evaluation (PMID: 17591938, 25580891). ClinVar contains an entry for this variant (Variation ID: 1489392). Based on the evidence outlined above, the variant was classified as likely pathogenic.

GeneDx
Classification: Likely pathogenic. Last evaluated: 2024-08-23. Review status: criteria provided, single submitter. Criteria: GeneDx Variant Classification Process June 2021. Collection method: clinical testing. Allele origin: germline. Affected: yes. Not counted in ClinVar's aggregate classification.
Comment: In silico analysis supports that this missense variant has a deleterious effect on protein structure/function; This variant is associated with the following publications: (PMID: 36518267, 17591938, 25580891)

Fulgent Genetics
Classification: Likely pathogenic for Glaucoma 3A; Anterior segment dysgenesis 6. Last evaluated: 2024-05-09. Review status: criteria provided, single submitter. Criteria: ACMG Guidelines, 2015. Collection method: clinical testing. Allele origin: germline. Not counted in ClinVar's aggregate classification.

Blueprint Genetics
Classification: Uncertain significance. Last evaluated: 2024-04-08. Review status: criteria provided, single submitter. Criteria: ACMG Guidelines, 2015. Collection method: clinical testing. Allele origin: germline. Not counted in ClinVar's aggregate classification.

Baylor Genetics
Classification: Likely pathogenic for Anterior segment dysgenesis 6. Last evaluated: 2024-03-19. Review status: criteria provided, single submitter. Criteria: ACMG Guidelines, 2015. Collection method: clinical testing. Allele origin: unknown. Not counted in ClinVar's aggregate classification.

Literature cited by the submitters: PubMed 17591938 (cited by Labcorp Genetics (formerly Invitae), Labcorp and Women's Health and Genetics/Laboratory Corporation of America, LabCorp); PubMed 10655546 (cited by Labcorp Genetics (formerly Invitae), Labcorp); PubMed 11980847 (cited by Labcorp Genetics (formerly Invitae), Labcorp); PubMed 15037581 (cited by Labcorp Genetics (formerly Invitae), Labcorp); PubMed 19744731 (cited by Labcorp Genetics (formerly Invitae), Labcorp); PubMed 30108387 (cited by Labcorp Genetics (formerly Invitae), Labcorp); PubMed 25580891 (cited by Women's Health and Genetics/Laboratory Corporation of America, LabCorp).